The following is an entry in ClinVar:

NM_003052.5(SLC34A1):c.1514G>A (p.Gly505Glu)

Gene: SLC34A1 (solute carrier family 34 member 1; plus strand). Cytogenetic location: 5q35.3.
Variant type: single nucleotide variant.
Coding change: c.1514G>A on transcript NM_003052.5 (MANE Select); coding-DNA position 1514, G replaced by A.
Protein change: p.Gly505Glu; replaces glycine 505 with glutamic acid.
Molecular consequence: missense variant.
Genome position (GRCh38, 1-based): chr5:177,397,880, G>A. VCF-style: chr5-177397880-G-A. GRCh37 (hg19) VCF-style: chr5-176824881-G-A.
Other names: p.Gly505Glu; short protein forms G505E.
Identifiers: ClinVar variation 4541091 (VCV004541091.1).

ClinVar aggregate classification (germline): Uncertain significance (1 of 4 stars; one submission).

Submission:

Mayo Clinic Laboratories, Mayo Clinic
Classification: Uncertain significance. Last evaluated: 2025-11-30. Review status: criteria provided, single submitter. Criteria: ACMG Guidelines, 2015. Collection method: clinical testing. Allele origin: germline. Observed: 1 variant allele.
Comment: PP3, PM2_supporting